The following is an entry in ClinVar:

ClinVar aggregate classification (germline): Uncertain significance. Review status: criteria provided, single submitter (1 of 4 stars). 2 submissions from 2 submitters: Uncertain significance (1). 1 of the submissions does not count toward it. Last evaluated 2023-06-10.

Conditions:
Hyper-IgE recurrent infection syndrome 3, autosomal recessive. Also called: Autosomal recessive hyper-IgE syndrome due to ZNF341 deficiency; HYPER-IgE SYNDROME 3, AUTOSOMAL RECESSIVE, WITH RECURRENT INFECTIONS. Identifiers: Orphanet 641368, MedGen C4748969, MONDO:0032654, OMIM 618282.
Hepatoblastoma. Identifiers: Orphanet 449, MedGen C0206624, MONDO:0018666, HP:0002884.

Allele frequency attached by ClinVar (database versions not stated): gnomAD exomes below 0.00001; ExAC 0.00001.
gnomAD v4.1: 7 of 1,614,212 alleles (0.00043%); highest among the groups gnomAD compares: South Asian, 0.0033%; no homozygotes.

Submissions (2):

Labcorp Genetics (formerly Invitae), Labcorp
Classification: Uncertain significance for Combined immunodeficiency due to DOCK8 deficiency. Last evaluated: 2023-06-10. Review status: criteria provided, single submitter. Criteria: Invitae Variant Classification Sherloc (09022015). Collection method: clinical testing. Allele origin: germline.
Comment: ClinVar contains an entry for this variant (Variation ID: 942058). In summary, the available evidence is currently insufficient to determine the role of this variant in disease. Therefore, it has been classified as a Variant of Uncertain Significance. Advanced modeling of protein sequence and biophysical properties (such as structural, functional, and spatial information, amino acid conservation, physicochemical variation, residue mobility, and thermodynamic stability) performed at Invitae indicates that this missense variant is not expected to disrupt DOCK8 protein function. This variant has not been reported in the literature in individuals affected with DOCK8-related conditions. This variant is present in population databases (rs766320232, gnomAD 0.003%). This sequence change replaces threonine, which is neutral and polar, with methionine, which is neutral and non-polar, at codon 320 of the DOCK8 protein (p.Thr320Met).

Molecular Oncology -  Human Genetics Lab, University of Sao Paulo
Classification: Uncertain significance for Hepatoblastoma. Review status: no assertion criteria provided. Collection method: research. Allele origin: germline. Affected: yes. Not counted in ClinVar's aggregate classification.

NM_203447.4(DOCK8):c.959C>T (p.Thr320Met)

Gene: DOCK8 (dedicator of cytokinesis 8; plus strand). Cytogenetic location: 9p24.3.
Variant type: single nucleotide variant.
Coding change: c.959C>T on transcript NM_203447.4 (MANE Select); coding-DNA position 959, C replaced by T.
Protein change: p.Thr320Met; replaces threonine 320 with methionine.
Molecular consequence: missense variant.
Genome position (GRCh38, 1-based): chr9:328,086, C>T. VCF-style: chr9-328086-C-T. GRCh37 (hg19) VCF-style: chr9-328086-C-T.
Other names: c.755C>T, p.Thr252Met (NM_001190458.2, NM_001193536.2); short protein forms T252M, T320M.
Identifiers: ClinVar variation 942058 (VCV000942058.5), dbSNP rs766320232, ClinGen allele CA4957545.